The following is an entry in ClinVar:

NM_138348.6(OTULIN):c.65C>A (p.Ala22Glu)

Gene: OTULIN (OTU deubiquitinase with linear linkage specificity; plus strand). Cytogenetic location: 5p15.2.
Variant type: single nucleotide variant.
Coding change: c.65C>A on transcript NM_138348.6 (MANE Select); coding-DNA position 65, C replaced by A.
Protein change: p.Ala22Glu; replaces alanine 22 with glutamic acid.
Molecular consequence: missense variant.
Genome position (GRCh38, 1-based): chr5:14,664,890, C>A. VCF-style: chr5-14664890-C-A. GRCh37 (hg19) VCF-style: chr5-14664999-C-A.
Other names: short protein forms A22E.
Identifiers: ClinVar variation 2828525 (VCV002828525.3), dbSNP rs1285122539, ClinGen allele CA359242159.

ClinVar aggregate classification (germline): Uncertain significance (1 of 4 stars; one submission).

Allele frequency attached by ClinVar (database versions not stated): TOPMed below 0.00001.
gnomAD v4.1: 4 of 1,170,046 alleles (0.00034%); highest among the groups gnomAD compares: Non-Finnish European, 0.00042%; no homozygotes.

Submission:

Labcorp Genetics (formerly Invitae), Labcorp
Classification: Uncertain significance. Last evaluated: 2023-04-11. Review status: criteria provided, single submitter. Criteria: Invitae Variant Classification Sherloc (09022015). Collection method: clinical testing. Allele origin: germline.
Comment: This sequence change replaces alanine, which is neutral and non-polar, with glutamic acid, which is acidic and polar, at codon 22 of the OTULIN protein (p.Ala22Glu). This variant is not present in population databases (gnomAD no frequency). This variant has not been reported in the literature in individuals affected with OTULIN-related conditions. An algorithm developed to predict the effect of missense changes on protein structure and function (PolyPhen-2) suggests that this variant is likely to be tolerated. In summary, the available evidence is currently insufficient to determine the role of this variant in disease. Therefore, it has been classified as a Variant of Uncertain Significance.